The following is an entry in ClinVar:

ClinVar aggregate classification (germline): Uncertain significance (1 of 4 stars; one submission).

Conditions:
Arrhythmogenic right ventricular dysplasia 10. Also called: ARRHYTHMOGENIC RIGHT VENTRICULAR DYSPLASIA, FAMILIAL, 10; Arrhythmogenic right ventricular dysplasia/cardiomyopathy, type 10; Arrhythmogenic Right Ventricular Dysplasia/Cardiomyopathy10. Identifiers: MedGen C1857777, MONDO:0012434, OMIM 610193.

Submission:

Labcorp Genetics (formerly Invitae), Labcorp
Classification: Uncertain significance for Arrhythmogenic right ventricular dysplasia 10. Last evaluated: 2021-06-07. Review status: criteria provided, single submitter. Criteria: Invitae Variant Classification Sherloc (09022015). Collection method: clinical testing. Allele origin: germline.
Comment: This sequence change replaces threonine with isoleucine at codon 859 of the DSG2 protein (p.Thr859Ile). The threonine residue is weakly conserved and there is a moderate physicochemical difference between threonine and isoleucine. This variant is not present in population databases (ExAC no frequency). This variant has not been reported in the literature in individuals with DSG2-related conditions. Algorithms developed to predict the effect of missense changes on protein structure and function (SIFT, PolyPhen-2, Align-GVGD) all suggest that this variant is likely to be tolerated, but these predictions have not been confirmed by published functional studies and their clinical significance is uncertain. In summary, the available evidence is currently insufficient to determine the role of this variant in disease. Therefore, it has been classified as a Variant of Uncertain Significance.

NM_001943.5(DSG2):c.2576C>T (p.Thr859Ile)

Genes: DSG2 (desmoglein 2; plus strand), DSG2-AS1 (DSG2 antisense RNA 1; minus strand). Cytogenetic location: 18q12.1.
Variant type: single nucleotide variant.
Coding change: c.2576C>T on transcript NM_001943.5 (MANE Select); coding-DNA position 2576, C replaced by T.
Protein change: p.Thr859Ile; replaces threonine 859 with isoleucine.
Molecular consequence: missense variant.
Genome position (GRCh38, 1-based): chr18:31,545,962, C>T. VCF-style: chr18-31545962-C-T. GRCh37 (hg19) VCF-style: chr18-29125925-C-T.
Other names: short protein forms T859I.
Identifiers: ClinVar variation 1350533 (VCV001350533.8), dbSNP rs1445054250, ClinGen allele CA402145236.